The following is an entry in ClinVar:

ClinVar aggregate classification (germline): Pathogenic (1 of 4 stars; one submission).

Submission:

Labcorp Genetics (formerly Invitae), Labcorp
Classification: Pathogenic. Last evaluated: 2024-08-02. Review status: criteria provided, single submitter. Criteria: Invitae Variant Classification Sherloc (09022015). Collection method: clinical testing. Allele origin: germline.
Comment: This sequence change creates a premature translational stop signal (p.Tyr318Leufs*17) in the UPB1 gene. It is expected to result in an absent or disrupted protein product. Loss-of-function variants in UPB1 are known to be pathogenic (PMID: 15385443, 22525402). This variant is not present in population databases (gnomAD no frequency). This variant has not been reported in the literature in individuals affected with UPB1-related conditions. For these reasons, this variant has been classified as Pathogenic.

Literature cited by the submitters: PubMed 15385443; PubMed 22525402.

NM_016327.3(UPB1):c.952_964del (p.Tyr318fs)

Gene: UPB1 (beta-ureidopropionase 1; plus strand). Cytogenetic location: 22q11.23.
Variant type: Deletion.
Coding change: c.952_964del on transcript NM_016327.3 (MANE Select); coding-DNA positions 952 to 964, 13 bases deleted (TATGTGGCAGCCC).
Protein change: p.Tyr318fs; shifts the reading frame from tyrosine 318.
Molecular consequence: frameshift variant.
Genome position (GRCh38, 1-based): chr22:24,523,654-24,523,666, TATGTGGCAGCCC deleted; deleting any 13 consecutive bases within chr22:24,523,653-24,523,666 gives the same sequence; the c. name uses the placement nearest the transcript's 3' end. VCF-style (leftmost placement, unchanged base first): chr22-24523652-GCTATGTGGCAGCC-G. GRCh37 (hg19) VCF-style: chr22-24919620-GCTATGTGGCAGCC-G.
Other names: short protein forms Y318fs.
Identifiers: ClinVar variation 3679693 (VCV003679693.2).